The following is an entry in ClinVar:

NM_000379.4(XDH):c.3351G>C (p.Trp1117Cys)

Gene: XDH (xanthine dehydrogenase; minus strand). Cytogenetic location: 2p23.1.
Variant type: single nucleotide variant.
Coding change: c.3351G>C on transcript NM_000379.4 (MANE Select); coding-DNA position 3351, G replaced by C.
Protein change: p.Trp1117Cys; replaces tryptophan 1117 with cysteine.
Molecular consequence: missense variant.
Genome position (GRCh38, 1-based): chr2:31,346,769, C>G on the plus strand (G>C on the coding strand, the complement: XDH is on the minus strand). VCF-style: chr2-31346769-C-G. GRCh37 (hg19) VCF-style: chr2-31569635-C-G.
Other names: short protein forms W1117C.
Identifiers: ClinVar variation 2130386 (VCV002130386.4), dbSNP rs2465313220, ClinGen allele CA346497357.

ClinVar aggregate classification (germline): Uncertain significance (1 of 4 stars; one submission).

Conditions:
Xanthinuria type II. Also called: Xanthine dehydrogenase and aldehyde oxidase combined deficiency of; XDH and AOX dual deficiency. Identifiers: Orphanet 3467, Orphanet 93602, MedGen C1863688, MONDO:0011346, OMIM 603592.

Submission:

Labcorp Genetics (formerly Invitae), Labcorp
Classification: Uncertain significance for Xanthinuria type II. Last evaluated: 2022-11-15. Review status: criteria provided, single submitter. Criteria: Invitae Variant Classification Sherloc (09022015). Collection method: clinical testing. Allele origin: germline.
Comment: Algorithms developed to predict the effect of missense changes on protein structure and function (SIFT, PolyPhen-2, Align-GVGD) all suggest that this variant is likely to be disruptive. This sequence change replaces tryptophan, which is neutral and slightly polar, with cysteine, which is neutral and slightly polar, at codon 1117 of the XDH protein (p.Trp1117Cys). This variant also falls at the last nucleotide of exon 30, which is part of the consensus splice site for this exon. This variant is not present in population databases (gnomAD no frequency). This variant has not been reported in the literature in individuals affected with XDH-related conditions. Variants that disrupt the consensus splice site are a relatively common cause of aberrant splicing (PMID: 17576681, 9536098). In summary, the available evidence is currently insufficient to determine the role of this variant in disease. Therefore, it has been classified as a Variant of Uncertain Significance.

Literature cited by the submitters: PubMed 17576681; PubMed 9536098.